The following is an entry in ClinVar:

NM_032043.3(BRIP1):c.2923G>C (p.Glu975Gln)

Gene: BRIP1 (BRCA1 interacting DNA helicase 1; minus strand). Cytogenetic location: 17q23.2.
Variant type: single nucleotide variant.
Coding change: c.2923G>C on transcript NM_032043.3 (MANE Select); coding-DNA position 2923, G replaced by C.
Protein change: p.Glu975Gln; replaces glutamic acid 975 with glutamine.
Molecular consequence: missense variant.
Genome position (GRCh38, 1-based): chr17:61,684,123, C>G on the plus strand (G>C on the coding strand, the complement: BRIP1 is on the minus strand). VCF-style: chr17-61684123-C-G. GRCh37 (hg19) VCF-style: chr17-59761484-C-G.
Other names: short protein forms E975Q.
Identifiers: ClinVar variation 1352924 (VCV001352924.7), dbSNP rs1603275707, ClinGen allele CA400480737.

ClinVar aggregate classification (germline): Uncertain significance (1 of 4 stars; one submission).

Conditions:
Familial cancer of breast. Also called: BREAST CANCER, FAMILIAL; hereditary breast carcinoma; Hereditary breast cancer. Identifiers: Orphanet 227535, MedGen C0346153, MONDO:0016419, OMIM 114480. Disease mechanism: loss of function.
Fanconi anemia complementation group J. Also called: BRIP1-Related Fanconi Anemia. Identifiers: Orphanet 84, MedGen C1836860, MONDO:0012187, OMIM 609054.

Submission:

Labcorp Genetics (formerly Invitae), Labcorp
Classification: Uncertain significance for Familial cancer of breast; Fanconi anemia complementation group J. Last evaluated: 2021-09-15. Review status: criteria provided, single submitter. Criteria: Invitae Variant Classification Sherloc (09022015). Collection method: clinical testing. Allele origin: germline.
Comment: This sequence change replaces glutamic acid with glutamine at codon 975 of the BRIP1 protein (p.Glu975Gln). The glutamic acid residue is moderately conserved and there is a small physicochemical difference between glutamic acid and glutamine. This variant is not present in population databases (ExAC no frequency). This variant has not been reported in the literature in individuals affected with BRIP1-related conditions. In summary, the available evidence is currently insufficient to determine the role of this variant in disease. Therefore, it has been classified as a Variant of Uncertain Significance. Algorithms developed to predict the effect of missense changes on protein structure and function are either unavailable or do not agree on the potential impact of this missense change (SIFT: "Tolerated"; PolyPhen-2: "Possibly Damaging"; Align-GVGD: "Class C0").